The following is an entry in ClinVar:

ClinVar aggregate classification (germline): Conflicting classifications of pathogenicity. Review status: criteria provided, conflicting classifications (1 of 4 stars). 2 submissions from 2 submitters: Uncertain significance (1); Likely benign (1). Last evaluated 2025-11-10.

Conditions:
Developmental and epileptic encephalopathy, 54. Also called: Epileptic encephalopathy, early infantile, 54; HNRNPU-Related Neurodevelopmental Disorder. Identifiers: MedGen C4479319, MONDO:0033363, OMIM 617391.
Inborn genetic diseases. Identifiers: MedGen C0950123, MeSH D030342.

Allele frequency attached by ClinVar (database versions not stated): ExAC 0.00002; ESP Exome Variant Server 0.00008; gnomAD 0.00001.
gnomAD v4.1: 16 of 1,614,012 alleles (0.00099%); highest among the groups gnomAD compares: Non-Finnish European, 0.0013%; no homozygotes.

Submissions (2):

Labcorp Genetics (formerly Invitae), Labcorp
Classification: Likely benign for Developmental and epileptic encephalopathy, 54. Last evaluated: 2025-11-10. Review status: criteria provided, single submitter. Criteria: Invitae Variant Classification Sherloc (09022015). Collection method: clinical testing. Allele origin: germline.

Ambry Genetics
Classification: Uncertain significance for Inborn genetic diseases. Last evaluated: 2017-06-27. Review status: criteria provided, single submitter. Criteria: Ambry Variant Classification Scheme 2023. Collection method: clinical testing. Allele origin: germline.
Comment: The p.G441R variant (also known as c.1321G>A), located in coding exon 7 of the HNRNPU gene, results from a G to A substitution at nucleotide position 1321. The glycine at codon 441 is replaced by arginine, an amino acid with dissimilar properties. This amino acid position is not well conserved in available vertebrate species. In addition, the in silico prediction for this alteration is inconclusive. Since supporting evidence is limited at this time, the clinical significance of this alteration remains unclear.

NM_031844.3(HNRNPU):c.1321G>A (p.Gly441Arg)

Gene: HNRNPU (heterogeneous nuclear ribonucleoprotein U; minus strand). Cytogenetic location: 1q44.
Variant type: single nucleotide variant.
Coding change: c.1321G>A on transcript NM_031844.3 (MANE Select); coding-DNA position 1321, G replaced by A.
Protein change: p.Gly441Arg; replaces glycine 441 with arginine.
Molecular consequence: missense variant.
Genome position (GRCh38, 1-based): chr1:244,858,184, C>T on the plus strand (G>A on the coding strand, the complement: HNRNPU is on the minus strand). VCF-style: chr1-244858184-C-T. GRCh37 (hg19) VCF-style: chr1-245021486-C-T.
Other names: c.1264G>A, p.Gly422Arg (NM_004501.3); short protein forms G441R, G422R.
Identifiers: ClinVar variation 1769920 (VCV001769920.4), dbSNP rs377613329, ClinGen allele CA1486479.